The following is an entry in ClinVar:

NM_000255.4(MMUT):c.422C>A (p.Ala141Glu)

Gene: MMUT (methylmalonyl-CoA mutase; minus strand). Cytogenetic location: 6p12.3.
Variant type: single nucleotide variant.
Coding change: c.422C>A on transcript NM_000255.4 (MANE Select); coding-DNA position 422, C replaced by A.
Protein change: p.Ala141Glu; replaces alanine 141 with glutamic acid.
Molecular consequence: missense variant.
Genome position (GRCh38, 1-based): chr6:49,458,022, G>T on the plus strand (C>A on the coding strand, the complement: MMUT is on the minus strand). VCF-style: chr6-49458022-G-T. GRCh37 (hg19) VCF-style: chr6-49425735-G-T.
Other names: c.422C>A (NM_000255.3); short protein forms A141E.
Identifiers: ClinVar variation 978683 (VCV000978683.7), dbSNP rs565348836, ClinGen allele CA3847113.

ClinVar aggregate classification (germline): Likely pathogenic. Review status: criteria provided, multiple submitters, no conflicts (2 of 4 stars). 4 submissions from 4 submitters: Likely pathogenic (3). 1 of the submissions does not count toward it. Last evaluated 2025-09-02.

Conditions:
Methylmalonic aciduria due to methylmalonyl-CoA mutase deficiency (MAMM). Also called: Methylmalonic aciduria, mut type. Identifiers: Orphanet 27, MedGen C1855114, MONDO:0009612, OMIM 251000.
Methylmalonic aciduria due to complete methylmalonyl-CoA mutase deficiency.
Methylmalonic acidemia (MMA). Also called: Isolated Methylmalonic Acidemia. Identifiers: MedGen C0268583, MeSH C537358, MONDO:0002012, HP:0002912.

Allele frequency attached by ClinVar (database versions not stated): 1000 Genomes Project 30x 0.00016; 1000 Genomes Project 0.00020.

Submissions (4):

Natera, Inc.
Classification: Likely pathogenic for Methylmalonic aciduria due to complete methylmalonyl-CoA mutase deficiency. Last evaluated: 2025-09-02. Review status: criteria provided, single submitter. Criteria: Natera Variant Classification Schema (03/2026). Collection method: clinical testing. Allele origin: germline.
Comment: The c.422C>A variant in MMUT is a missense variant predicted to cause substitution of alanine to glutamic acid at amino acid 141. This variant is rare in the general population with a frequency below the threshold expected for the associated phenotype(s). This variant has been observed in one or more individuals affected with the associated recessive disease, as either homozygous or compound heterozygous with a second variant (PMID: 35361390, 28973083). This variant has been identified in one or more affected individuals with a phenotype highly consistent with the associated gene (PMID: 28973083, 35361390). Computational prediction algorithms indicate this variant is likely to affect gene or protein function. Given the available evidence, this variant is classified as Likely Pathogenic.

Women's Health and Genetics/Laboratory Corporation of America, LabCorp
Classification: Likely pathogenic for Methylmalonic acidemia. Last evaluated: 2024-03-18. Review status: criteria provided, single submitter. Criteria: LabCorp Variant Classification Summary - May 2015. Collection method: clinical testing. Allele origin: germline.
Comment: Variant summary: MUT c.422C>A (p.Ala141Glu) results in a non-conservative amino acid change located in the Methylmalonyl-CoA mutase, alpha chain, catalytic (IPR006098) of the encoded protein sequence. Five of five in-silico tools predict a damaging effect of the variant on protein function. The variant allele was found at a frequency of 4.1e-06 in 241918 control chromosomes. c.422C>A has been reported in the literature in at-least three individuals affected with Methylmalonic Acidemia (Forny_2023, Hu__2022, Meng_2017). These data indicate that the variant may be associated with disease. To our knowledge, no experimental evidence demonstrating an impact on protein function has been reported. The following publications have been ascertained in the context of this evaluation (PMID: 36717752, 35361390, 28973083). ClinVar contains an entry for this variant (Variation ID: 978683). Based on the evidence outlined above, the variant was classified as likely pathogenic.

Labcorp Genetics (formerly Invitae), Labcorp
Classification: Likely pathogenic. Last evaluated: 2023-02-23. Review status: criteria provided, single submitter. Criteria: Invitae Variant Classification Sherloc (09022015). Collection method: clinical testing. Allele origin: germline.
Comment: This variant is present in population databases (rs565348836, gnomAD 0.003%). This sequence change replaces alanine, which is neutral and non-polar, with glutamic acid, which is acidic and polar, at codon 141 of the MUT protein (p.Ala141Glu). This missense change has been observed in individual(s) with clinical features of MUT-related conditions (PMID: 28973083, 35361390). In summary, the currently available evidence indicates that the variant is pathogenic, but additional data are needed to prove that conclusively. Therefore, this variant has been classified as Likely Pathogenic. This variant disrupts the p.Ala141 amino acid residue in MUT. Other variant(s) that disrupt this residue have been determined to be pathogenic (PMID: 30209273; Invitae). This suggests that this residue is clinically significant, and that variants that disrupt this residue are likely to be disease-causing. Advanced modeling of protein sequence and biophysical properties (such as structural, functional, and spatial information, amino acid conservation, physicochemical variation, residue mobility, and thermodynamic stability) performed at Invitae indicates that this missense variant is expected to disrupt MUT protein function. ClinVar contains an entry for this variant (Variation ID: 978683).

Genetics and Prenatal Diagnosis Center, The First Affiliated Hospital of Zhengzhou University
Classification: Likely pathogenic for Methylmalonic aciduria due to methylmalonyl-CoA mutase deficiency. Last evaluated: 2020-01-01. Review status: no assertion criteria provided. Collection method: clinical testing. Allele origin: germline. Affected: yes. Not counted in ClinVar's aggregate classification.

Literature cited by the submitters: PubMed 35361390 (cited by 3 submitters); PubMed 28973083 (cited by 3 submitters); PubMed 36717752 (cited by Women's Health and Genetics/Laboratory Corporation of America, LabCorp); PubMed 30209273 (cited by Labcorp Genetics (formerly Invitae), Labcorp).